The following is an entry in ClinVar:

ClinVar aggregate classification (germline): Uncertain significance (1 of 4 stars; one submission).

gnomAD v4.1: 1 of 1,611,022 alleles (0.000062%); highest among the groups gnomAD compares: African/African-American, 0.0013%; no homozygotes.

Submission:

Labcorp Genetics (formerly Invitae), Labcorp
Classification: Uncertain significance. Last evaluated: 2023-07-07. Review status: criteria provided, single submitter. Criteria: Invitae Variant Classification Sherloc (09022015). Collection method: clinical testing. Allele origin: germline.
Comment: This sequence change replaces proline, which is neutral and non-polar, with arginine, which is basic and polar, at codon 317 of the LTBP2 protein (p.Pro317Arg). This variant is not present in population databases (gnomAD no frequency). This variant has not been reported in the literature in individuals affected with LTBP2-related conditions. ClinVar contains an entry for this variant (Variation ID: 1378714). An algorithm developed to predict the effect of missense changes on protein structure and function (PolyPhen-2) suggests that this variant is likely to be tolerated. In summary, the available evidence is currently insufficient to determine the role of this variant in disease. Therefore, it has been classified as a Variant of Uncertain Significance.

NM_000428.3(LTBP2):c.950C>G (p.Pro317Arg)

Gene: LTBP2 (latent transforming growth factor beta binding protein 2; minus strand). Cytogenetic location: 14q24.3.
Variant type: single nucleotide variant.
Coding change: c.950C>G on transcript NM_000428.3 (MANE Select); coding-DNA position 950, C replaced by G.
Protein change: p.Pro317Arg; replaces proline 317 with arginine.
Molecular consequence: missense variant.
Genome position (GRCh38, 1-based): chr14:74,555,574, G>C on the plus strand (C>G on the coding strand, the complement: LTBP2 is on the minus strand). VCF-style: chr14-74555574-G-C. GRCh37 (hg19) VCF-style: chr14-75022277-G-C.
Other names: short protein forms P317R.
Identifiers: ClinVar variation 1378714 (VCV001378714.6), dbSNP rs148766628, ClinGen allele CA390402759.